The following is an entry in ClinVar:

ClinVar aggregate classification (germline): Uncertain significance. Review status: criteria provided, multiple submitters, no conflicts (2 of 4 stars). 2 submissions from 2 submitters: Uncertain significance (2). Last evaluated 2025-10-09.

Conditions:
Inborn genetic diseases. Identifiers: MedGen C0950123, MeSH D030342.

Submissions (2):

Ambry Genetics
Classification: Uncertain significance for Inborn genetic diseases. Last evaluated: 2025-10-09. Review status: criteria provided, single submitter. Criteria: Ambry Variant Classification Scheme 2023. Collection method: clinical testing. Allele origin: germline.
Comment: The p.T287P variant (also known as c.859A>C), located in coding exon 3 of the MBD4 gene, results from an A to C substitution at nucleotide position 859. The threonine at codon 287 is replaced by proline, an amino acid with highly similar properties. This amino acid position is conserved. In addition, the in silico prediction for this alteration is inconclusive. Based on the available evidence, the clinical significance of this variant remains unclear.

Labcorp Genetics (formerly Invitae), Labcorp
Classification: Uncertain significance. Last evaluated: 2025-02-12. Review status: criteria provided, single submitter. Criteria: Invitae Variant Classification Sherloc (09022015). Collection method: clinical testing. Allele origin: germline.
Comment: This sequence change replaces threonine, which is neutral and polar, with proline, which is neutral and non-polar, at codon 287 of the MBD4 protein (p.Thr287Pro). This variant is not present in population databases (gnomAD no frequency). This variant has not been reported in the literature in individuals affected with MBD4-related conditions. An algorithm developed to predict the effect of missense changes on protein structure and function outputs the following: PolyPhen-2: "Benign". The proline amino acid residue is found in multiple mammalian species, which suggests that this missense change does not adversely affect protein function. In summary, the available evidence is currently insufficient to determine the role of this variant in disease. Therefore, it has been classified as a Variant of Uncertain Significance.

NM_001276270.2(MBD4):c.859A>C (p.Thr287Pro)

Gene: MBD4 (methyl-CpG binding domain 4, DNA glycosylase; minus strand). Cytogenetic location: 3q21.3.
Variant type: single nucleotide variant.
Coding change: c.859A>C on transcript NM_001276270.2 (MANE Select); coding-DNA position 859, A replaced by C.
Protein change: p.Thr287Pro; replaces threonine 287 with proline.
Molecular consequence: missense variant. On other transcripts: intron variant (1).
Genome position (GRCh38, 1-based): chr3:129,436,785, T>G on the plus strand (A>C on the coding strand, the complement: MBD4 is on the minus strand). VCF-style: chr3-129436785-T-G. GRCh37 (hg19) VCF-style: chr3-129155628-T-G.
Other names: c.859A>C, p.Thr287Pro (NM_001276271.2, NM_001276272.2, NM_003925.3); c.247+1023A>C (NM_001276273.2); short protein forms T287P.
Identifiers: ClinVar variation 4624399 (VCV004624399.2).